The following is an entry in ClinVar:

ClinVar aggregate classification (germline): Uncertain significance. Review status: criteria provided, multiple submitters, no conflicts (2 of 4 stars). 2 submissions from 2 submitters: Uncertain significance (2). Last evaluated 2021-08-28.

Conditions:
Primary ciliary dyskinesia. Also called: Ciliary dyskinesia. Identifiers: Orphanet 244, MedGen C0008780, MONDO:0016575, HP:0012265.

Allele frequency attached by ClinVar (database versions not stated): gnomAD 0.00002.
gnomAD v4.1: 25 of 1,613,976 alleles (0.0015%); highest among the groups gnomAD compares: Non-Finnish European, 0.002%; no homozygotes.

Submissions (2):

Labcorp Genetics (formerly Invitae), Labcorp
Classification: Uncertain significance for Primary ciliary dyskinesia. Last evaluated: 2021-08-28. Review status: criteria provided, single submitter. Criteria: Invitae Variant Classification Sherloc (09022015). Collection method: clinical testing. Allele origin: germline.
Comment: This sequence change replaces serine with threonine at codon 85 of the DNAI1 protein (p.Ser85Thr). The serine residue is highly conserved and there is a small physicochemical difference between serine and threonine. This variant is not present in population databases (ExAC no frequency). This variant has not been reported in the literature in individuals affected with DNAI1-related conditions. Algorithms developed to predict the effect of missense changes on protein structure and function are either unavailable or do not agree on the potential impact of this missense change (SIFT: "Tolerated"; PolyPhen-2: "Possibly Damaging"; Align-GVGD: "Class C0"). In summary, the available evidence is currently insufficient to determine the role of this variant in disease. Therefore, it has been classified as a Variant of Uncertain Significance.

Ambry Genetics
Classification: Uncertain significance for Primary ciliary dyskinesia. Last evaluated: 2014-07-30. Review status: criteria provided, single submitter. Criteria: Ambry Variant Classification Scheme 2023. Collection method: clinical testing. Allele origin: germline.
Comment: The p.S85T variant (also known as c.254G>C), located in coding exon 4 of the DNAI1 gene, results from a G to C substitution at nucleotide position 254. The serine at codon 85 is replaced by threonine, an amino acid with similar properties. This variant was not reported in population based cohorts in the following databases: Database of Single Nucleotide Polymorphisms (dbSNP), NHLBI Exome Sequencing Project (ESP), and 1000 Genomes Project. In the ESP, this variant was not observed in 6503 samples (13006 alleles) with coverage at this position. This amino acid position is not well conserved on limited alignement in available vertebrate species. In addition, this alteration is predicted to be tolerated by in silico analysis. Since supporting evidence is limited at this time, the clinical significance of this variant remains unclear.

NM_012144.4(DNAI1):c.254G>C (p.Ser85Thr)

Gene: DNAI1 (dynein axonemal intermediate chain 1; plus strand). Cytogenetic location: 9p13.3.
Variant type: single nucleotide variant.
Coding change: c.254G>C on transcript NM_012144.4 (MANE Select); coding-DNA position 254, G replaced by C.
Protein change: p.Ser85Thr; replaces serine 85 with threonine.
Molecular consequence: missense variant.
Genome position (GRCh38, 1-based): chr9:34,485,510, G>C. VCF-style: chr9-34485510-G-C. GRCh37 (hg19) VCF-style: chr9-34485508-G-C.
Other names: c.254G>C, p.Ser85Thr (NM_001281428.2); short protein forms S85T.
Identifiers: ClinVar variation 1792933 (VCV001792933.4), dbSNP rs1242377984, ClinGen allele CA373242727.